The following is an entry in ClinVar:

NM_001792.5(CDH2):c.2210-6A>G

Gene: CDH2 (cadherin 2; minus strand). Cytogenetic location: 18q12.1.
Variant type: single nucleotide variant.
Coding change: c.2210-6A>G on transcript NM_001792.5 (MANE Select); 6 bases into the intron before coding-DNA position 2210, A replaced by G.
Molecular consequence: intron variant.
Genome position (GRCh38, 1-based): chr18:27,983,089, T>C on the plus strand (A>G on the coding strand, the complement: CDH2 is on the minus strand). VCF-style: chr18-27983089-T-C. GRCh37 (hg19) VCF-style: chr18-25563053-T-C.
Other names: c.2210-6A>G (NM_001792.3); c.2117-6A>G (NM_001308176.2).
Identifiers: ClinVar variation 1284338 (VCV001284338.10), dbSNP rs202207758, ClinGen allele CA8923200.

ClinVar aggregate classification (germline): Conflicting classifications of pathogenicity. Review status: criteria provided, conflicting classifications (1 of 4 stars). 4 submissions from 4 submitters: Uncertain significance (1); Likely benign (1). 2 of the submissions do not count toward it. Last evaluated 2025-11-18.

Conditions:
Inborn genetic diseases. Identifiers: MedGen C0950123, MeSH D030342.

Allele frequency attached by ClinVar (database versions not stated): gnomAD exomes 0.00002; ExAC 0.00003; gnomAD 0.00003 and 0.00004; TOPMed 0.00003; ESP Exome Variant Server 0.00008.
gnomAD v4.1: 38 of 1,601,832 alleles (0.0024%); highest among the groups gnomAD compares: Non-Finnish European, 0.0031%; no homozygotes.

Submissions (4):

Labcorp Genetics (formerly Invitae), Labcorp
Classification: Likely benign. Last evaluated: 2025-11-18. Review status: criteria provided, single submitter. Criteria: Invitae Variant Classification Sherloc (09022015). Collection method: clinical testing. Allele origin: germline.

Ambry Genetics
Classification: Uncertain significance for Inborn genetic diseases. Last evaluated: 2022-01-28. Review status: criteria provided, single submitter. Criteria: Ambry Variant Classification Scheme 2023. Collection method: clinical testing. Allele origin: germline.
Comment: The c.2210-6A>G intronic alteration consists of a A to G substitution 6 nucleotides before coding exon 14 in the CDH2 gene. Based on insufficient or conflicting evidence, the clinical significance of this alteration remains unclear.

Clinical Genetics, Academic Medical Center
Classification: Benign. Review status: no assertion criteria provided. Collection method: clinical testing. Allele origin: germline. Affected: yes. Study: VKGL Data-share Consensus. Not counted in ClinVar's aggregate classification.

Joint Genome Diagnostic Labs from Nijmegen and Maastricht, Radboudumc and MUMC+
Classification: Likely benign. Review status: no assertion criteria provided. Collection method: clinical testing. Allele origin: germline. Affected: yes. Study: VKGL Data-share Consensus. Not counted in ClinVar's aggregate classification.